The following is an entry in ClinVar:

NM_005228.5(EGFR):c.3179T>C (p.Ile1060Thr)

Gene: EGFR (epidermal growth factor receptor; plus strand). Cytogenetic location: 7p11.2.
Variant type: single nucleotide variant.
Coding change: c.3179T>C on transcript NM_005228.5 (MANE Select); coding-DNA position 3179, T replaced by C.
Protein change: p.Ile1060Thr; replaces isoleucine 1060 with threonine.
Molecular consequence: missense variant.
Genome position (GRCh38, 1-based): chr7:55,202,533, T>C. VCF-style: chr7-55202533-T-C. GRCh37 (hg19) VCF-style: chr7-55270226-T-C.
Other names: c.3044T>C, p.Ile1015Thr (NM_001346897.2, NM_001346899.2); c.3179T>C, p.Ile1060Thr (NM_001346898.2); c.3020T>C, p.Ile1007Thr (NM_001346900.2); c.2378T>C, p.Ile793Thr (NM_001346941.2); c.3179T>C (NM_005228.3); short protein forms I1015T, I793T, I1007T, I1060T.
Identifiers: ClinVar variation 1497888 (VCV001497888.8), dbSNP rs2128973018, ClinGen allele CA367583201.

ClinVar aggregate classification (germline): Uncertain significance. Review status: criteria provided, multiple submitters, no conflicts (2 of 4 stars). 2 submissions from 2 submitters: Uncertain significance (2). Last evaluated 2025-09-12.

Conditions:
Hereditary cancer-predisposing syndrome. Also called: Tumor predisposition; Hereditary neoplastic syndrome; Neoplastic Syndromes, Hereditary; Hereditary Cancer Syndrome. Identifiers: Orphanet 140162, MedGen C0027672, MeSH D009386, MONDO:0015356.
EGFR-related lung cancer (EGFR). Identifiers: MedGen CN130014.

Submissions (2):

Ambry Genetics
Classification: Uncertain significance for Hereditary cancer-predisposing syndrome. Last evaluated: 2025-09-12. Review status: criteria provided, single submitter. Criteria: Ambry Variant Classification Scheme 2023. Collection method: clinical testing. Allele origin: germline.
Comment: The p.I1060T variant (also known as c.3179T>C), located in coding exon 27 of the EGFR gene, results from a T to C substitution at nucleotide position 3179. The isoleucine at codon 1060 is replaced by threonine, an amino acid with similar properties. This amino acid position is conserved. In addition, this alteration is predicted to be tolerated by in silico analysis. Based on the available evidence, the clinical significance of this variant remains unclear.

Labcorp Genetics (formerly Invitae), Labcorp
Classification: Uncertain significance for EGFR-related lung cancer. Last evaluated: 2022-07-06. Review status: criteria provided, single submitter. Criteria: Invitae Variant Classification Sherloc (09022015). Collection method: clinical testing. Allele origin: germline.
Comment: ClinVar contains an entry for this variant (Variation ID: 1497888). This variant has not been reported in the literature in individuals affected with EGFR-related conditions. This variant is not present in population databases (gnomAD no frequency). This sequence change replaces isoleucine, which is neutral and non-polar, with threonine, which is neutral and polar, at codon 1060 of the EGFR protein (p.Ile1060Thr). Algorithms developed to predict the effect of missense changes on protein structure and function output the following: SIFT: "Tolerated"; PolyPhen-2: "Benign"; Align-GVGD: "Class C0". The threonine amino acid residue is found in multiple mammalian species, which suggests that this missense change does not adversely affect protein function. In summary, the available evidence is currently insufficient to determine the role of this variant in disease. Therefore, it has been classified as a Variant of Uncertain Significance.